The following is an entry in ClinVar:

ClinVar aggregate classification (germline): Uncertain significance (1 of 4 stars; one submission).

Submission:

Quest Diagnostics Nichols Institute San Juan Capistrano
Classification: Uncertain significance. Last evaluated: 2025-05-28. Review status: criteria provided, single submitter. Criteria: Quest Diagnostics criteria. Collection method: clinical testing. Allele origin: unknown.
Comment: The HOXB13 c.821T>C (p.Val274Ala) variant has not been reported in individuals with HOXB13-related conditions in the published literature. It also has not been reported in large, multi-ethnic general populations (Genome Aggregation Database). Analysis of this variant using bioinformatics tools for the prediction of the effect of amino acid changes on protein structure and function yielded conflicting predictions that this variant is deleterious or benign. Based on the available information, we are unable to determine the clinical significance of this variant.

NM_006361.6(HOXB13):c.821T>C (p.Val274Ala)

Gene: HOXB13 (homeobox B13; minus strand). Cytogenetic location: 17q21.32.
Variant type: single nucleotide variant.
Coding change: c.821T>C on transcript NM_006361.6 (MANE Select); coding-DNA position 821, T replaced by C.
Protein change: p.Val274Ala; replaces valine 274 with alanine.
Molecular consequence: missense variant.
Genome position (GRCh38, 1-based): chr17:48,726,824, A>G on the plus strand (T>C on the coding strand, the complement: HOXB13 is on the minus strand). VCF-style: chr17-48726824-A-G. GRCh37 (hg19) VCF-style: chr17-46804186-A-G.
Other names: short protein forms V274A.
Identifiers: ClinVar variation 4533096 (VCV004533096.1).
Genomic context (GRCh38, chr17:48,726,824, plus strand): 5'-TCCTCCCACCCAGGCAAGGAGATCTCTTAAGGGGTAGCGCTGTTCTTCACCTTGGCGAGA[A>G]CCTTCTTCTCTTTGACCCGGCGGTTCTGAAACCAGATGGTAATCTGGCGCTCCGAGAGGC-3'
Protein context (NP_006352.2, residues 264-284): FQNRRVKEKK[Val274Ala]LAKVKNSATP